The following is an entry in ClinVar:

NM_001355436.2(SPTB):c.5944G>A (p.Glu1982Lys)

Gene: SPTB (spectrin beta, erythrocytic; minus strand). Cytogenetic location: 14q23.3.
Variant type: single nucleotide variant.
Coding change: c.5944G>A on transcript NM_001355436.2 (MANE Select); coding-DNA position 5944, G replaced by A.
Protein change: p.Glu1982Lys; replaces glutamic acid 1982 with lysine.
Molecular consequence: missense variant.
Genome position (GRCh38, 1-based): chr14:64,769,112, C>T on the plus strand (G>A on the coding strand, the complement: SPTB is on the minus strand). VCF-style: chr14-64769112-C-T. GRCh37 (hg19) VCF-style: chr14-65235830-C-T.
Other names: c.5944G>A, p.Glu1982Lys (NM_001024858.4, NM_001355437.2); short protein forms E1982K.
Identifiers: ClinVar variation 1636632 (VCV001636632.24), dbSNP rs145664609, ClinGen allele CA7229799.
Genomic context (GRCh38, chr14:64,769,112, plus strand): 5'-AGCGGGCTTCCCACTTCTCATTCATCTCTTTCCTCCTGGACATCACCTGCTGCAGTTTCT[C>T]GCGGATCTATGGGGAGGAAAGGGAGAAAAGCTCAGGCTTGGCTCACCCTTCACCATCTGA-3'
Protein context (NP_001342365.1, residues 1972-1992): RQHQASEEIR[Glu1982Lys]KLQQVMSRRK

ClinVar aggregate classification (germline): Benign/Likely benign. Review status: criteria provided, multiple submitters, no conflicts (2 of 4 stars). 2 submissions from 2 submitters: Benign (1); Likely benign (1). Last evaluated 2025-12-09.

Allele frequency attached by ClinVar (database versions not stated): gnomAD exomes 0.00008 and 0.00018; ExAC 0.00017; ESP Exome Variant Server 0.00023; gnomAD 0.00070 and 0.00071; TOPMed 0.00081; 1000 Genomes Project 30x 0.00156; 1000 Genomes Project 0.00160.
gnomAD v4.1: 222 of 1,613,740 alleles (0.014%); highest among the groups gnomAD compares: African/African-American, 0.25%; 1 homozygote.

Submissions (2):

Labcorp Genetics (formerly Invitae), Labcorp
Classification: Benign. Last evaluated: 2025-12-09. Review status: criteria provided, single submitter. Criteria: Invitae Variant Classification Sherloc (09022015). Collection method: clinical testing. Allele origin: germline.

CeGaT Center for Human Genetics Tuebingen
Classification: Likely benign. Last evaluated: 2024-08-01. Review status: criteria provided, single submitter. Criteria: CeGaT Center For Human Genetics Tuebingen Variant Classification Criteria Version 2. Collection method: clinical testing. Allele origin: germline. Affected: yes. Observed: 1 variant allele.
Comment: SPTB: BP4